The following is an entry in ClinVar:

ClinVar aggregate classification (germline): Pathogenic (1 of 4 stars; one submission).

Conditions:
Agammaglobulinemia 4, autosomal recessive (AGM4). Also called: B cell linker protein deficiency; AGAMMAGLOBULINEMIA, AUTOSOMAL RECESSIVE, DUE TO BLNK DEFECT. Identifiers: MedGen C3150752, MONDO:0013289, OMIM 613502.

Allele frequency attached by ClinVar (database versions not stated): gnomAD exomes below 0.00001 and 0.00001.
gnomAD v4.1: 6 of 1,613,228 alleles (0.00037%); highest among the groups gnomAD compares: African/African-American, 0.0013%; no homozygotes.

Submission:

Labcorp Genetics (formerly Invitae), Labcorp
Classification: Pathogenic for Agammaglobulinemia 4, autosomal recessive. Last evaluated: 2023-02-20. Review status: criteria provided, single submitter. Criteria: Invitae Variant Classification Sherloc (09022015). Collection method: clinical testing. Allele origin: germline.
Comment: This variant has not been reported in the literature in individuals affected with BLNK-related conditions. For these reasons, this variant has been classified as Pathogenic. Algorithms developed to predict the effect of sequence changes on RNA splicing suggest that this variant may disrupt the consensus splice site. ClinVar contains an entry for this variant (Variation ID: 1072783). This variant is present in population databases (no rsID available, gnomAD 0.007%). This sequence change creates a premature translational stop signal (p.Arg399*) in the BLNK gene. It is expected to result in an absent or disrupted protein product. Loss-of-function variants in BLNK are known to be pathogenic (PMID: 10583958, 24582315).

Literature cited by the submitters: PubMed 10583958; PubMed 24582315.

NM_013314.4(BLNK):c.1195C>T (p.Arg399Ter)

Genes: BLNK (B cell linker; minus strand), ZNF518A (zinc finger protein 518A; plus strand). Cytogenetic location: 10q24.1.
Variant type: single nucleotide variant.
Coding change: c.1195C>T on transcript NM_013314.4 (MANE Select); coding-DNA position 1195, C replaced by T.
Protein change: p.Arg399Ter; replaces arginine 399 with a stop codon.
Molecular consequence: nonsense. On other transcripts: non-coding transcript variant (3), intron variant (3).
Genome position (GRCh38, 1-based): chr10:96,196,964, G>A on the plus strand (C>T on the coding strand, the complement: BLNK is on the minus strand). VCF-style: chr10-96196964-G-A. GRCh37 (hg19) VCF-style: chr10-97956720-G-A.
Other names: c.1126C>T, p.Arg376Ter (NM_001114094.2); c.780+3111C>T (NM_001258442.2); c.1026+3111C>T (NM_001258441.2); c.1095+3111C>T (NM_001258440.2); short protein forms R376*, R399*.
Identifiers: ClinVar variation 1072783 (VCV001072783.7), dbSNP rs1554894837, ClinGen allele CA377716345.